The following is an entry in ClinVar:

NM_001917.5(DAO):c.386+2T>C

Gene: DAO (D-amino acid oxidase; plus strand). Cytogenetic location: 12q24.11.
Variant type: single nucleotide variant.
Coding change: c.386+2T>C on transcript NM_001917.5 (MANE Select); the canonical splice donor site of the intron after coding-DNA position 386, T replaced by C.
Molecular consequence: splice donor variant.
Genome position (GRCh38, 1-based): chr12:108,889,547, T>C. VCF-style: chr12-108889547-T-C. GRCh37 (hg19) VCF-style: chr12-109283323-T-C.
Other names: c.386+2T>C (NM_001413634.1, NM_001413635.1).
Identifiers: ClinVar variation 3052517 (VCV003052517.2), dbSNP rs771139389, ClinGen allele CA6771065.

ClinVar aggregate classification (germline): Likely benign (0 of 4 stars; one submission).

Conditions:
DAO-related disorder. Also called: DAO-related condition.

Allele frequency attached by ClinVar (database versions not stated): TOPMed 0.00005; gnomAD 0.00008; gnomAD exomes 0.00010; ExAC 0.00024.

Submission:

PreventionGenetics, part of Exact Sciences
Classification: Likely benign for DAO-related condition. Last evaluated: 2022-10-06. Review status: no assertion criteria provided. Collection method: clinical testing. Allele origin: germline.
Comment: This variant is classified as likely benign based on ACMG/AMP sequence variant interpretation guidelines (Richards et al. 2015 PMID: 25741868, with internal and published modifications).